The following is an entry in ClinVar:

ClinVar aggregate classification (germline): Uncertain significance. Review status: criteria provided, multiple submitters, no conflicts (2 of 4 stars). 4 submissions from 4 submitters: Uncertain significance (4). Last evaluated 2025-12-22.

Conditions:
Hereditary cancer-predisposing syndrome. Also called: Tumor predisposition; Hereditary Cancer Syndrome; Neoplastic Syndromes, Hereditary; Hereditary neoplastic syndrome. Identifiers: Orphanet 140162, MedGen C0027672, MeSH D009386, MONDO:0015356.
Familial cancer of breast. Also called: hereditary breast carcinoma; Hereditary breast cancer; BREAST CANCER, FAMILIAL. Identifiers: Orphanet 227535, MedGen C0346153, MONDO:0016419, OMIM 114480. Disease mechanism: loss of function.

Allele frequency attached by ClinVar (database versions not stated): gnomAD exomes below 0.00001 and 0.00002; gnomAD 0.00001; 1000 Genomes Project 0.00020; 1000 Genomes Project 30x 0.00031.
gnomAD v4.1: 4 of 1,613,544 alleles (0.00025%); highest among the groups gnomAD compares: East Asian, 0.0067%; no homozygotes.

Submissions (4):

Labcorp Genetics (formerly Invitae), Labcorp
Classification: Uncertain significance for Familial cancer of breast. Last evaluated: 2025-12-22. Review status: criteria provided, single submitter. Criteria: Invitae Variant Classification Sherloc (09022015). Collection method: clinical testing. Allele origin: germline.
Comment: This sequence change replaces asparagine, which is neutral and polar, with serine, which is neutral and polar, at codon 663 of the BARD1 protein (p.Asn663Ser). This variant is present in population databases (rs187590361, gnomAD 0.006%). This variant has not been reported in the literature in individuals affected with BARD1-related conditions. ClinVar contains an entry for this variant (Variation ID: 489663). An algorithm developed to predict the effect of missense changes on protein structure and function (PolyPhen-2) suggests that this variant is likely to be disruptive. In summary, the available evidence is currently insufficient to determine the role of this variant in disease. Therefore, it has been classified as a Variant of Uncertain Significance.

Color Diagnostics, LLC DBA Color Health
Classification: Uncertain significance for Hereditary cancer-predisposing syndrome. Last evaluated: 2025-11-04. Review status: criteria provided, single submitter. Criteria: ACMG Guidelines, 2015. Collection method: clinical testing. Allele origin: germline.
Comment: This missense variant replaces asparagine with serine at codon 663 of the BARD1 protein. Computational prediction suggests that this variant may not impact protein structure and function. To our knowledge, functional studies have not been reported for this variant. This variant has not been reported in individuals affected with hereditary cancer in the literature. This variant has been identified in 5/251390 chromosomes in the general population by the Genome Aggregation Database (gnomAD). The available evidence is insufficient to determine the role of this variant in disease conclusively. Therefore, this variant is classified as a Variant of Uncertain Significance.

Blueprint Genetics
Classification: Uncertain significance. Last evaluated: 2024-05-28. Review status: criteria provided, single submitter. Criteria: ACMG Guidelines, 2015. Collection method: clinical testing. Allele origin: germline.

Ambry Genetics
Classification: Uncertain significance for Hereditary cancer-predisposing syndrome. Last evaluated: 2024-05-25. Review status: criteria provided, single submitter. Criteria: Ambry Variant Classification Scheme 2023. Collection method: clinical testing. Allele origin: germline.
Comment: The p.N663S variant (also known as c.1988A>G), located in coding exon 10 of the BARD1 gene, results from an A to G substitution at nucleotide position 1988. The asparagine at codon 663 is replaced by serine, an amino acid with highly similar properties. This variant has been identified in 0/12503 unselected Japanese colorectal cancer patients and in 1/23704 controls (Fujita M et al. Clin Gastroenterol Hepatol, 2020 Dec).This amino acid position is highly conserved in available vertebrate species. In addition, this alteration is predicted to be tolerated by in silico analysis. Since supporting evidence is limited at this time, the clinical significance of this alteration remains unclear.

Literature cited by the submitters: PubMed 33309985 (cited by Ambry Genetics).

NM_000465.4(BARD1):c.1988A>G (p.Asn663Ser)

Gene: BARD1 (BRCA1 associated RING domain 1; minus strand). Cytogenetic location: 2q35.
Variant type: single nucleotide variant.
Coding change: c.1988A>G on transcript NM_000465.4 (MANE Select); coding-DNA position 1988, A replaced by G.
Protein change: p.Asn663Ser; replaces asparagine 663 with serine.
Molecular consequence: missense variant. On other transcripts: non-coding transcript variant (3).
Genome position (GRCh38, 1-based): chr2:214,730,424, T>C on the plus strand (A>G on the coding strand, the complement: BARD1 is on the minus strand). VCF-style: chr2-214730424-T-C. GRCh37 (hg19) VCF-style: chr2-215595148-T-C.
Other names: c.1931A>G, p.Asn644Ser (NM_001282543.2); c.635A>G, p.Asn212Ser (NM_001282545.2); c.578A>G, p.Asn193Ser (NM_001282548.2); c.449A>G, p.Asn150Ser (NM_001282549.2); c.1988A>G (NM_000465.2); short protein forms N663S, N644S, N212S, N193S, N150S.
Identifiers: ClinVar variation 489663 (VCV000489663.19), dbSNP rs187590361, ClinGen allele CA64793735.
Genomic context (GRCh38, chr2:214,730,424, plus strand): 5'-AGTATGTCATAATAAGAACAATGAAAGTTGTATTAAAAGAAAAATACCAGCTGTTCTCTG[T>C]TGAGCCTGCTTCTGCGTGGACCTTCAGGAATTTCATACTTTTCTTCCTGTTCACATACTT-3'
Protein context (NP_000456.2, residues 653-673): IPEGPRRSRL[Asn663Ser]REQLLPKLFD